The following is an entry in ClinVar:

NM_001267550.2(TTN):c.58799G>A (p.Trp19600Ter)

Genes: TTN-AS1 (TTN antisense RNA 1; plus strand), TTN (titin; minus strand). Cytogenetic location: 2q31.2.
Variant type: single nucleotide variant.
Coding change: c.58799G>A on transcript NM_001267550.2 (MANE Select); coding-DNA position 58799, G replaced by A.
Protein change: p.Trp19600Ter; replaces tryptophan 19600 with a stop codon.
Molecular consequence: nonsense.
Genome position (GRCh38, 1-based): chr2:178,593,409, C>T on the plus strand (G>A on the coding strand, the complement: TTN is on the minus strand). VCF-style: chr2-178593409-C-T. GRCh37 (hg19) VCF-style: chr2-179458136-C-T.
Other names: c.53876G>A, p.Trp17959Ter (NM_001256850.1); c.31604G>A, p.Trp10535Ter (NM_003319.4); c.51095G>A, p.Trp17032Ter (NM_133378.4); c.31979G>A, p.Trp10660Ter (NM_133432.3); c.32180G>A, p.Trp10727Ter (NM_133437.4); short protein forms W10660*, W17032*, W17959*, W19600*, W10535*, W10727*.
Identifiers: ClinVar variation 2937406 (VCV002937406.3), dbSNP rs865994024, ClinGen allele CA60971340.

ClinVar aggregate classification (germline): Likely pathogenic (1 of 4 stars; one submission).

Conditions:
Dilated cardiomyopathy 1G (CMD1G). Identifiers: Orphanet 154, MedGen C1858763, MONDO:0011400, OMIM 604145.
Autosomal recessive limb-girdle muscular dystrophy type 2J (LGMDR10). Also called: Limb-girdle muscular dystrophy, type 2J; MUSCULAR DYSTROPHY, LIMB-GIRDLE, AUTOSOMAL RECESSIVE 10. Identifiers: Orphanet 140922, MedGen C1837342, MONDO:0012127, OMIM 608807.

Submission:

Labcorp Genetics (formerly Invitae), Labcorp
Classification: Likely pathogenic for Dilated cardiomyopathy 1G; Autosomal recessive limb-girdle muscular dystrophy type 2J. Last evaluated: 2025-09-14. Review status: criteria provided, single submitter. Criteria: Invitae Variant Classification Sherloc (09022015). Collection method: clinical testing. Allele origin: germline.
Comment: This sequence change creates a premature translational stop signal (p.Trp19600*) in the TTN gene. While this is not anticipated to result in nonsense mediated decay, it is expected to create a truncated TTN protein. This variant is not present in population databases (gnomAD no frequency). This variant has not been reported in the literature in individuals affected with TTN-related conditions. ClinVar contains an entry for this variant (Variation ID: 2937406). This variant is located in the A band of TTN (PMID: 25589632). Truncating variants in this region are significantly overrepresented in patients affected with dilated cardiomyopathy (PMID: 25589632). Truncating variants in this region have also been reported in individuals affected with autosomal recessive centronuclear myopathy (PMID: 23975875). In summary, the currently available evidence indicates that the variant is pathogenic, but additional data are needed to prove that conclusively. Therefore, this variant has been classified as Likely Pathogenic.

Literature cited by the submitters: PubMed 25589632; PubMed 23975875.